The following is an entry in ClinVar:

NM_001267550.2(TTN):c.16212G>C (p.Arg5404Ser)

Gene: TTN (titin; minus strand). Cytogenetic location: 2q31.2.
Variant type: single nucleotide variant.
Coding change: c.16212G>C on transcript NM_001267550.2 (MANE Select); coding-DNA position 16212, G replaced by C.
Protein change: p.Arg5404Ser; replaces arginine 5404 with serine.
Molecular consequence: missense variant. On other transcripts: intron variant (3).
Genome position (GRCh38, 1-based): chr2:178,732,964, C>G on the plus strand (G>C on the coding strand, the complement: TTN is on the minus strand). VCF-style: chr2-178732964-C-G. GRCh37 (hg19) VCF-style: chr2-179597691-C-G.
Other names: c.16212G>C (NM_001267550.1); c.15261G>C, p.Arg5087Ser (NM_001256850.1); c.12480G>C, p.Arg4160Ser (NM_133378.4); c.13282+5118G>C (NM_003319.4); c.13858+5118G>C (NM_133437.4); c.13657+5118G>C (NM_133432.3); short protein forms R5404S, R5087S, R4160S.
Identifiers: ClinVar variation 931527 (VCV000931527.5), dbSNP rs758704167, ClinGen allele CA2002073.

ClinVar aggregate classification (germline): Uncertain significance. Review status: criteria provided, multiple submitters, no conflicts (2 of 4 stars). 2 submissions from 2 submitters: Uncertain significance (2). Last evaluated 2026-05-07.

Conditions:
Tibial muscular dystrophy (TMD). Also called: Tibial muscular dystrophy, tardive; UDD MYOPATHY; Udd Distal Myopathy – Tibial Muscular Dystrophy. Identifiers: Orphanet 609, MedGen C1838244, MONDO:0010870, OMIM 600334.

Allele frequency attached by ClinVar (database versions not stated): TOPMed 0.00002; gnomAD exomes 0.00001 and below 0.00001; ExAC 0.00001.
gnomAD v4.1: 21 of 1,613,476 alleles (0.0013%); highest among the groups gnomAD compares: Non-Finnish European, 0.0017%; no homozygotes.

Submissions (2):

GeneDx
Classification: Uncertain significance. Last evaluated: 2026-05-07. Review status: criteria provided, single submitter. Criteria: GeneDx Variant Classification Process June 2021. Collection method: clinical testing. Allele origin: germline.
Comment: Not observed at significant frequency in large population cohorts (gnomAD); Missense variant in a gene in which most reported pathogenic variants are truncating/loss of function; Has not been previously published as pathogenic or benign to our knowledge; Located in a region of TTN within the I-band in which the majority of loss of function variants are significantly associated with autosomal dominant titinopathies (PMID:27625338, 27869827); This variant is associated with the following publications: (PMID: 37589201)

Centre for Mendelian Genomics, University Medical Centre Ljubljana
Classification: Uncertain significance for Tibial muscular dystrophy. Last evaluated: 2019-03-27. Review status: criteria provided, single submitter. Criteria: ACMG Guidelines, 2015. Collection method: clinical testing. Allele origin: unknown. Affected: yes.
Comment: This variant was classified as: Uncertain significance. The available evidence on this variant's pathogenicity is insufficient or conflicting. The following ACMG criteria were applied in classifying this variant: BP1.